The following is an entry in ClinVar:

NM_000051.4(ATM):c.8837T>G (p.Leu2946Ter)

Genes: ATM (ATM serine/threonine kinase; plus strand), C11orf65 (chromosome 11 open reading frame 65; minus strand). Cytogenetic location: 11q22.3.
Variant type: single nucleotide variant.
Coding change: c.8837T>G on transcript NM_000051.4 (MANE Select); coding-DNA position 8837, T replaced by G.
Protein change: p.Leu2946Ter; replaces leucine 2946 with a stop codon.
Molecular consequence: nonsense. On other transcripts: intron variant (2).
Genome position (GRCh38, 1-based): chr11:108,354,861, T>G. VCF-style: chr11-108354861-T-G. GRCh37 (hg19) VCF-style: chr11-108225588-T-G.
Other names: c.8837T>G, p.Leu2946Ter (NM_001351834.2); c.640+31059A>C (NM_001330368.2); c.695-19569A>C (NM_001351110.2); short protein forms L2946*.
Identifiers: ClinVar variation 2453927 (VCV002453927.3), dbSNP rs2137352720, ClinGen allele CA382526036.

ClinVar aggregate classification (germline): Pathogenic/Likely pathogenic. Review status: criteria provided, multiple submitters, no conflicts (2 of 4 stars). 2 submissions from 2 submitters: Pathogenic (1); Likely pathogenic (1). Last evaluated 2022-12-01.

Conditions:
Familial cancer of breast. Also called: Hereditary breast cancer; BREAST CANCER, FAMILIAL; hereditary breast carcinoma. Identifiers: Orphanet 227535, MedGen C0346153, MONDO:0016419, OMIM 114480. Disease mechanism: loss of function.
Hereditary cancer-predisposing syndrome. Also called: Tumor predisposition; Hereditary Cancer Syndrome; Hereditary neoplastic syndrome; Neoplastic Syndromes, Hereditary. Identifiers: Orphanet 140162, MedGen C0027672, MeSH D009386, MONDO:0015356.

Submissions (2):

Ambry Genetics
Classification: Pathogenic for Hereditary cancer-predisposing syndrome. Last evaluated: 2022-12-01. Review status: criteria provided, single submitter. Criteria: Ambry Variant Classification Scheme 2023. Collection method: clinical testing. Allele origin: germline.
Comment: The p.L2946* pathogenic mutation (also known as c.8837T>G), located in coding exon 60 of the ATM gene, results from a T to G substitution at nucleotide position 8837. This changes the amino acid from a leucine to a stop codon within coding exon 60. This variant is considered to be rare based on population cohorts in the Genome Aggregation Database (gnomAD). This alteration is expected to result in loss of function by premature protein truncation or nonsense-mediated mRNA decay. As such, this alteration is interpreted as a disease-causing mutation.

Baylor Genetics
Classification: Likely pathogenic for Familial cancer of breast. Last evaluated: 2022-08-17. Review status: criteria provided, single submitter. Criteria: ACMG Guidelines, 2015. Collection method: clinical testing. Allele origin: unknown.